The following is an entry in ClinVar:

NM_003119.4(SPG7):c.861dup (p.Asn288Ter)

Gene: SPG7 (SPG7 matrix AAA peptidase subunit, paraplegin; plus strand). Cytogenetic location: 16q24.3.
Variant type: Duplication.
Coding change: c.861dup on transcript NM_003119.4 (MANE Select); coding-DNA position 861, one base duplicated (T; older notation c.861dupT).
Protein change: p.Asn288Ter; replaces asparagine 288 with a stop codon.
Molecular consequence: nonsense.
Genome position (GRCh38, 1-based): chr16:89,529,579, T duplicated; the last of 4 consecutive T bases (chr16:89,529,576-89,529,579); duplicating any one gives the same sequence. VCF-style (leftmost placement, unchanged base first): chr16-89529575-C-CT. GRCh37 (hg19) VCF-style: chr16-89595983-C-CT.
Other names: c.861dup, p.Asn288Ter (NM_001363850.1, NM_199367.3); c.861dupT (NM_003119.2, NM_003119.4); c.861dup (NM_003119.3); short protein forms N288*.
Identifiers: ClinVar variation 212294 (VCV000212294.24), dbSNP rs797046003, ClinGen allele CA277258.

ClinVar aggregate classification (germline): Pathogenic. Review status: criteria provided, multiple submitters, no conflicts (2 of 4 stars). 11 submissions from 11 submitters: Pathogenic (10). 1 of the submissions does not count toward it. Last evaluated 2025-12-12.

Conditions:
SPG7-related disorder. Also called: SPG7-related condition.
Mitochondrial disease. Also called: Mitochondrial disorder; Mitochondrial disorders. Identifiers: Orphanet 68380, MedGen C0751651, MeSH D028361, MONDO:0044970.
Hereditary spastic paraplegia 7 (SPG7). Also called: SPASTIC PARAPLEGIA 7, AUTOSOMAL RECESSIVE, WITH OR WITHOUT CEREBELLAR ATAXIA; SPG7-related neurologic disorder; Spastic paraplegia 7; Hereditary spastic paraplegia Paraplegin type; Autosomal recessive spastic paraplegia type 7. Identifiers: Orphanet 99013, MedGen C1846564, MONDO:0011803, OMIM 607259.

Submissions (11):

Variantyx, Inc.
Classification: Pathogenic for Hereditary spastic paraplegia 7. Last evaluated: 2025-12-12. Review status: criteria provided, single submitter. Criteria: Variantyx Assertion Criteria 2022. Collection method: clinical testing. Allele origin: germline. Inheritance: Autosomal recessive inheritance. Affected: no.
Comment: This is a nonsense variant in the SPG7 gene (OMIM: 602783). Pathogenic variants in this gene have been associated with autosomal recessive spastic paraplegia 7. This variant introduces a premature termination codon in exon 6 out of 16 and is expected to result in loss of function, which is a known disease mechanism for SPG7 in this disorder (PMID: 22964162) (PVS1). This variant has been identified in the homozygous or compound heterozygous state in at least 3 individuals reported in the published literature (PMID: 22964162, 24727571) (PM3). The variant has a 0.0153% maximum allele frequency in non-founder control populations (PM2). Based on the current evidence, this variant is classified as pathogenic for autosomal recessive spastic paraplegia 7..

Labcorp Genetics (formerly Invitae), Labcorp
Classification: Pathogenic for Hereditary spastic paraplegia 7. Last evaluated: 2025-08-06. Review status: criteria provided, single submitter. Criteria: Invitae Variant Classification Sherloc (09022015). Collection method: clinical testing. Allele origin: germline.
Comment: This sequence change creates a premature translational stop signal (Splice site) in the SPG7 gene. It is expected to result in an absent or disrupted protein product. Loss-of-function variants in SPG7 are known to be pathogenic (PMID: 21623769, 22964162). This variant is present in population databases (rs747863986, gnomAD 0.006%). This premature translational stop signal has been observed in individuals with autosomal recessive hereditary spastic paraplegia (PMID: 22964162, 23065789, 24727571). ClinVar contains an entry for this variant (Variation ID: 212294). Algorithms developed to predict the effect of sequence changes on RNA splicing suggest that this variant may disrupt the consensus splice site. For these reasons, this variant has been classified as Pathogenic.

Women's Health and Genetics/Laboratory Corporation of America, LabCorp
Classification: Pathogenic for Hereditary spastic paraplegia 7. Last evaluated: 2024-11-05. Review status: criteria provided, single submitter. Criteria: LabCorp Variant Classification Summary - May 2015. Collection method: clinical testing. Allele origin: germline.
Comment: Variant summary: SPG7 c.861dupT (p.Asn288X) results in a premature termination codon, predicted to cause a truncation of the encoded protein or absence of the protein due to nonsense mediated decay, which are commonly known mechanisms for disease. Consensus agreement among computation tools predict no significant impact on normal splicing. However, these predictions have yet to be confirmed by functional studies. The variant allele was found at a frequency of 2.8e-05 in 249950 control chromosomes. To our knowledge, no occurrence of c.861dupT in individuals affected with Hereditary Spastic Paraplegia 7 and no experimental evidence demonstrating its impact on protein function have been reported. ClinVar contains an entry for this variant (Variation ID: 212294). Based on the evidence outlined above, the variant was classified as pathogenic.

Blueprint Genetics
Classification: Pathogenic for SPG7-related disorders. Last evaluated: 2024-02-05. Review status: criteria provided, single submitter. Criteria: ACMG Guidelines, 2015. Collection method: clinical testing. Allele origin: germline. Affected: yes. Observed: 5 variant alleles.

PROSPAX: an integrated multimodal progression  chart in spastic ataxias, Center for Neurology; Hertie-Institute for Clinical Brain Research
Classification: Pathogenic for Hereditary spastic paraplegia 7. Last evaluated: 2022-01-01. Review status: criteria provided, single submitter. Criteria: ACMG Guidelines, 2015. Collection method: research. Allele origin: germline. Affected: yes. Observed: 4 variant alleles, 4 compound heterozygotes.

Fulgent Genetics
Classification: Pathogenic for Hereditary spastic paraplegia 7. Last evaluated: 2021-10-18. Review status: criteria provided, single submitter. Criteria: ACMG Guidelines, 2015. Collection method: clinical testing. Allele origin: unknown.

Athena Diagnostics
Classification: Pathogenic. Last evaluated: 2017-06-30. Review status: criteria provided, single submitter. Criteria: Athena Diagnostics Criteria. Collection method: clinical testing. Allele origin: germline.

Genetic Services Laboratory, University of Chicago
Classification: Pathogenic for Spastic paraplegia 7, autosomal recessive. Last evaluated: 2015-07-31. Review status: criteria provided, single submitter. Criteria: ACMG Guidelines, 2015. Collection method: clinical testing. Allele origin: germline. Affected: yes.

GeneDx
Classification: Pathogenic. Last evaluated: 2014-07-03. Review status: criteria provided, single submitter. Criteria: GeneDx Variant Classification (06012015). Collection method: clinical testing. Allele origin: germline. Affected: yes.
Comment: c.861dupT: p.Asn288Stop (N288X) in exon 6 of the SPG7 gene (NM_003119.2). The normal sequence with the base that is duplicated in braces is: CTTT{T}gtaa with the exonic bases in upper case and the intronic bases in lower case. The c.861dupT mutation in the SPG7 gene has been reported previously in association with spastic paraplegia in a patient who was compound heterozygous for c.861dupT and a missense mutation in the SPG7 gene. After identification of the SPG7 mutations, this patient was subsequently found to have optic neuropathy (Klebe et al., 2012). The duplication causes the replacement of Asparagine 288 with a premature Stop codon, denoted p.Asn288Stop. This mutation is predicted to cause loss of normal protein function either through protein truncation or nonsense-mediated mRNA decay. This variant is found in OAPEO-MITOP panel(s).

Paris Brain Institute, Inserm - ICM
Classification: Pathogenic for Hereditary spastic paraplegia 7. Review status: criteria provided, single submitter. Criteria: ACMG Guidelines, 2015. Collection method: clinical testing. Allele origin: unknown. Affected: yes. Observed: 2 variant alleles.

Mitochondrial Research Group, Newcastle University
Classification: Pathogenic for Mitochondrial disease. Last evaluated: 2017-04-07. Review status: no assertion criteria provided. Collection method: clinical testing. Allele origin: germline. Affected: yes. Observed: 1 variant allele. Not counted in ClinVar's aggregate classification.

Literature cited by the submitters: PubMed 22964162 (cited by 3 submitters); PubMed 24727571 (cited by 3 submitters); PubMed 21623769 (cited by Labcorp Genetics (formerly Invitae), Labcorp); PubMed 23065789 (cited by Labcorp Genetics (formerly Invitae), Labcorp and Athena Diagnostics); PubMed 28812649 (cited by Mitochondrial Research Group, Newcastle University).